The following is an entry in ClinVar:

ClinVar aggregate classification (germline): Benign. Review status: criteria provided, multiple submitters, no conflicts (2 of 4 stars). 2 submissions from 2 submitters: Benign (2). Last evaluated 2018-06-14.

Allele frequency attached by ClinVar (database versions not stated): 1000 Genomes Project 30x 0.04950; 1000 Genomes Project 0.04952; TOPMed 0.06536; gnomAD 0.06741 and 0.06834; gnomAD exomes 0.08671.
gnomAD v4.1: 93,427 of 1,112,798 alleles (8.4%); highest among the groups gnomAD compares: Non-Finnish European, 9.3%; 4,360 homozygotes.

Submissions (2):

GeneDx
Classification: Benign. Last evaluated: 2018-06-14. Review status: criteria provided, single submitter. Criteria: GeneDx Variant Classification (06012015). Collection method: clinical testing. Allele origin: germline. Affected: yes.
Comment: This variant is considered likely benign or benign based on one or more of the following criteria: it is a conservative change, it occurs at a poorly conserved position in the protein, it is predicted to be benign by multiple in silico algorithms, and/or has population frequency not consistent with disease.

Breakthrough Genomics
Classification: Benign. Review status: criteria provided, single submitter. Criteria: ACMG Guidelines, 2015. Collection method: not provided. Allele origin: germline. Inheritance: Autosomal recessive inheritance. Affected: yes.

NM_001377.3(DYNC2H1):c.12648+82G>T

Gene: DYNC2H1 (dynein cytoplasmic 2 heavy chain 1; plus strand). Cytogenetic location: 11q22.3.
Variant type: single nucleotide variant.
Coding change: c.12648+82G>T on transcript NM_001377.3 (MANE Select); 82 bases into the intron after coding-DNA position 12648, G replaced by T.
Molecular consequence: intron variant.
Genome position (GRCh38, 1-based): chr11:103,456,438, G>T. VCF-style: chr11-103456438-G-T. GRCh37 (hg19) VCF-style: chr11-103327166-G-T.
Other names: c.12669+82G>T (NM_001080463.2).
Identifiers: ClinVar variation 675058 (VCV000675058.2), dbSNP rs7121138, ClinGen allele CA227452848.